The following is an entry in ClinVar:

NM_015202.5(KATNIP):c.4745_4751del (p.Met1582fs)

Gene: KATNIP (katanin interacting protein; plus strand). Cytogenetic location: 16p12.1.
Variant type: Deletion.
Coding change: c.4745_4751del on transcript NM_015202.5 (MANE Select); coding-DNA positions 4745 to 4751, 7 bases deleted (TGAATGA; older notation c.4745_4751delTGAATGA).
Protein change: p.Met1582fs; shifts the reading frame from methionine 1582.
Molecular consequence: frameshift variant.
Genome position (GRCh38, 1-based): chr16:27,777,913-27,777,919, TGAATGA deleted; deleting any 7 consecutive bases within chr16:27,777,909-27,777,919 gives the same sequence; the c. name uses the placement nearest the transcript's 3' end. VCF-style (leftmost placement, unchanged base first): chr16-27777908-GATGATGA-G. GRCh37 (hg19) VCF-style: chr16-27789229-GATGATGA-G.
Other names: short protein forms M1582fs.
Identifiers: ClinVar variation 1914373 (VCV001914373.5), dbSNP rs2543446286, ClinGen allele CA2580091331.

ClinVar aggregate classification (germline): Uncertain significance (1 of 4 stars; one submission).

Submission:

Labcorp Genetics (formerly Invitae), Labcorp
Classification: Uncertain significance. Last evaluated: 2022-08-20. Review status: criteria provided, single submitter. Criteria: Invitae Variant Classification Sherloc (09022015). Collection method: clinical testing. Allele origin: germline.
Comment: This sequence change results in a frameshift in the KIAA0556 gene (p.Met1582Lysfs*38). While this is not anticipated to result in nonsense mediated decay, it is expected to disrupt the last 37 amino acid(s) of the KIAA0556 protein and extend the protein by 0 additional amino acid residues. This variant is not present in population databases (gnomAD no frequency). This variant has not been reported in the literature in individuals affected with KIAA0556-related conditions. Experimental studies and prediction algorithms are not available or were not evaluated, and the functional significance of this variant is currently unknown. In summary, the available evidence is currently insufficient to determine the role of this variant in disease. Therefore, it has been classified as a Variant of Uncertain Significance.